The following is an entry in ClinVar:

NM_001384317.1(ZHX3):c.64G>C (p.Asp22His)

Gene: ZHX3 (zinc fingers and homeoboxes 3; minus strand). Cytogenetic location: 20q12.
Variant type: single nucleotide variant.
Coding change: c.64G>C on transcript NM_001384317.1 (MANE Select); coding-DNA position 64, G replaced by C.
Protein change: p.Asp22His; replaces aspartic acid 22 with histidine.
Molecular consequence: missense variant.
Genome position (GRCh38, 1-based): chr20:41,204,853, C>G on the plus strand (G>C on the coding strand, the complement: ZHX3 is on the minus strand). VCF-style: chr20-41204853-C-G. GRCh37 (hg19) VCF-style: chr20-39833493-C-G.
Other names: c.64G>C, p.Asp22His (NM_001384315.1, NM_001384316.1, NM_001384318.1 and 8 more transcripts); short protein forms D22H.
Identifiers: ClinVar variation 1985823 (VCV001985823.4), dbSNP rs1352860521, ClinGen allele CA409049003.
Genomic context (GRCh38, chr20:41,204,853, plus strand): 5'-GCAGATCCTGCTGGGGTCCTTCAGGCAAGGTCTCAGCGGGCTGGGCCTCCATGCTGGCAT[C>G]TTGCAACACCACAGTCTTCACTGGGATCATGCATGGTGTGGTGGATTTCCTCTTGCTGGC-3'
Protein context (NP_001371246.1, residues 12-32): MIPVKTVVLQ[Asp22His]ASMEAQPAET

ClinVar aggregate classification (germline): Uncertain significance (1 of 4 stars; one submission).

Allele frequency attached by ClinVar (database versions not stated): gnomAD exomes below 0.00001; TOPMed below 0.00001; gnomAD 0.00001.
gnomAD v4.1: 2 of 1,587,962 alleles (0.00013%); highest among the groups gnomAD compares: African/African-American, 0.0013%; no homozygotes.

Submission:

Labcorp Genetics (formerly Invitae), Labcorp
Classification: Uncertain significance. Last evaluated: 2022-10-23. Review status: criteria provided, single submitter. Criteria: Invitae Variant Classification Sherloc (09022015). Collection method: clinical testing. Allele origin: germline.
Comment: This sequence change replaces aspartic acid, which is acidic and polar, with histidine, which is basic and polar, at codon 22 of the ZHX3 protein (p.Asp22His). This variant is not present in population databases (gnomAD no frequency). This variant has not been reported in the literature in individuals affected with ZHX3-related conditions. Algorithms developed to predict the effect of missense changes on protein structure and function are either unavailable or do not agree on the potential impact of this missense change (SIFT: "Deleterious"; PolyPhen-2: "Benign"; Align-GVGD: "Class C0"). In summary, the available evidence is currently insufficient to determine the role of this variant in disease. Therefore, it has been classified as a Variant of Uncertain Significance.